The following is an entry in ClinVar:

ClinVar aggregate classification (germline): Likely benign (1 of 4 stars; one submission).

Conditions:
Hypertrophic cardiomyopathy. Also called: HYPERTROPHIC MYOCARDIOPATHY. Identifiers: Orphanet 217569, MedGen C0007194, MeSH D002312, MONDO:0005045, HP:0001639.

Submission:

All of Us Research Program, National Institutes of Health
Classification: Likely benign for Hypertrophic cardiomyopathy. Last evaluated: 2024-06-09. Review status: criteria provided, single submitter. Criteria: ACMG Guidelines, 2015. Collection method: clinical testing. Allele origin: germline. Inheritance: Autosomal dominant inheritance. Observed: 1 variant allele, 1 heterozygote.
Comment: This study involves interpretation of variants in research participants for the purpose of population health screening. Participant phenotype was not available at the time of variant classification. Additional details can be found in publication PMID: 35346344, PMCID: PMC8962531

NM_001018005.2(TPM1):c.243T>C (p.Ala81=)

Gene: TPM1 (tropomyosin 1; plus strand). Cytogenetic location: 15q22.2.
Variant type: single nucleotide variant.
Coding change: c.243T>C on transcript NM_001018005.2 (MANE Select); coding-DNA position 243, T replaced by C.
Protein change: p.Ala81=; no amino-acid change (alanine 81 retained).
Molecular consequence: synonymous variant. On other transcripts: non-coding transcript variant (17).
Genome position (GRCh38, 1-based): chr15:63,056,987, T>C. VCF-style: chr15-63056987-T-C. GRCh37 (hg19) VCF-style: chr15-63349186-T-C.
Other names: c.135T>C, p.Ala45= (NM_001407340.1, NM_001407341.1, NM_001407342.1 and 9 more transcripts); c.369T>C, p.Ala123= (NM_001407322.1, NM_001407323.1, NM_001407324.1 and 1 more transcripts); c.243T>C, p.Ala81= (NM_001407325.1, NM_001407326.1, NM_001407327.1 and 20 more transcripts).
Identifiers: ClinVar variation 3386133 (VCV003386133.1).